The following is an entry in ClinVar:

ClinVar aggregate classification (germline): Uncertain significance (1 of 4 stars; one submission).

Allele frequency attached by ClinVar (database versions not stated): gnomAD 0.00001; gnomAD exomes 0.00001 and 0.00002; ExAC 0.00002; TOPMed 0.00002.
gnomAD v4.1: 11 of 1,613,630 alleles (0.00068%); highest among the groups gnomAD compares: South Asian, 0.0011%; no homozygotes.

Submission:

Laboratory for Molecular Medicine, Mass General Brigham Personalized Medicine
Classification: Uncertain significance. Last evaluated: 2017-05-20. Review status: criteria provided, single submitter. Criteria: LMM Criteria. Collection method: clinical testing. Allele origin: germline. Observed: 1 variant allele.
Comment: The c.1347+3G>A variant in TMPRSS3 has not been previously reported in individua ls with hearing loss, but has been identified in 5/126644 European chromosomes b y the genome Aggregation Database (gnomAD; dbS NP rs751001285). Although this variant has been seen in the general population, its frequency is not high enough to rule out a pathogenic role. This variant is located in the 5' splice region. Computational tools do not suggest an impact to splicing, and the guanine nucleotide (G) at this position is not conserved acro ss species with several mammals having an adenine (A) at this position. However, this information is not predictive enough to rule out pathogenicity. In summary , while the clinical significance of the c.1347+3G>A variant is uncertain, the c omputational and conservation data suggest that it is more likely to be benign.

NM_001256317.3(TMPRSS3):c.1344+3G>A

Gene: TMPRSS3 (transmembrane serine protease 3; minus strand). Cytogenetic location: 21q22.3.
Variant type: single nucleotide variant.
Coding change: c.1344+3G>A on transcript NM_001256317.3 (MANE Select); 3 bases into the intron after coding-DNA position 1344, G replaced by A.
Molecular consequence: intron variant.
Genome position (GRCh38, 1-based): chr21:42,375,713, C>T on the plus strand (G>A on the coding strand, the complement: TMPRSS3 is on the minus strand). VCF-style: chr21-42375713-C-T. GRCh37 (hg19) VCF-style: chr21-43795822-C-T.
Other names: c.1347+3G>A (NM_024022.4); c.966+3G>A (NM_032404.3).
Identifiers: ClinVar variation 505798 (VCV000505798.5), dbSNP rs751001285, ClinGen allele CA10042245.